The following is an entry in ClinVar:

ClinVar aggregate classification (germline): Uncertain significance (1 of 4 stars; one submission).

Conditions:
Malignant hyperthermia, susceptibility to, 1 (MHS1). Also called: Anesthesia related hyperthermia; Malignant hyperpyrexia; Fulminating hyperpyrexia; Pharmacogenic myopathy; RYR1-Related Malignant Hyperthermia Susceptibility; Malignant hyperthermia suceptibility 1. Identifiers: Orphanet 423, MedGen C2930980, MONDO:0007783, OMIM 145600.

Submission:

All of Us Research Program, National Institutes of Health
Classification: Uncertain significance for Malignant hyperthermia, susceptibility to, 1. Last evaluated: 2024-05-30. Review status: criteria provided, single submitter. Criteria: ACMG Guidelines, 2015. Collection method: clinical testing. Allele origin: germline. Inheritance: Autosomal dominant inheritance. Observed: 1 variant allele, 1 heterozygote.
Comment: This missense variant replaces glutamic acid with glycine at codon 1180 of the RYR1 protein. Computational prediction suggests that this variant may not impact protein structure and function (internally defined REVEL score threshold <= 0.5, PMID: 27666373). To our knowledge, functional studies have not been reported for this variant. This variant has not been reported in individuals affected with RYR1-related disorders in the literature. This variant has not been identified in the general population by the Genome Aggregation Database (gnomAD). The available evidence is insufficient to determine the role of this variant in disease conclusively. Therefore, this variant is classified as a Variant of Uncertain Significance.

This study involves interpretation of variants in research participants for the purpose of population health screening. Participant phenotype was not available at the time of variant classification. Additional details can be found in publication PMID: 35346344, PMCID: PMC8962531

NM_000540.3(RYR1):c.3539A>G (p.Glu1180Gly)

Gene: RYR1 (ryanodine receptor 1; plus strand). Cytogenetic location: 19q13.2.
Variant type: single nucleotide variant.
Coding change: c.3539A>G on transcript NM_000540.3 (MANE Select); coding-DNA position 3539, A replaced by G.
Protein change: p.Glu1180Gly; replaces glutamic acid 1180 with glycine.
Molecular consequence: missense variant.
Genome position (GRCh38, 1-based): chr19:38,469,123, A>G. VCF-style: chr19-38469123-A-G. GRCh37 (hg19) VCF-style: chr19-38959763-A-G.
Other names: c.3539A>G, p.Glu1180Gly (NM_001042723.2); short protein forms E1180G.
Identifiers: ClinVar variation 3387687 (VCV003387687.1).